The following is an entry in ClinVar:

NM_000059.4(BRCA2):c.5162del (p.Asn1721fs)

Gene: BRCA2 (BRCA2 DNA repair associated; plus strand). Cytogenetic location: 13q13.1.
Variant type: Deletion.
Coding change: c.5162del on transcript NM_000059.4 (MANE Select); coding-DNA position 5162, one base deleted (A; older notation c.5162delA).
Protein change: p.Asn1721fs; shifts the reading frame from asparagine 1721.
Molecular consequence: frameshift variant.
Genome position (GRCh38, 1-based): chr13:32,339,517, A deleted; the last of 3 consecutive A bases (chr13:32,339,515-32,339,517); deleting any one gives the same sequence. VCF-style (leftmost placement, unchanged base first): chr13-32339514-CA-C. GRCh37 (hg19) VCF-style: chr13-32913651-CA-C.
Other names: c.5162delA (NM_000059.3); short protein forms N1721fs.
Identifiers: ClinVar variation 495098 (VCV000495098.8), dbSNP rs1555284090, ClinGen allele CA658683840.

ClinVar aggregate classification (germline): Pathogenic. Review status: criteria provided, multiple submitters, no conflicts (2 of 4 stars). 3 submissions from 3 submitters: Pathogenic (3). Last evaluated 2025-09-02.

Conditions:
Hereditary breast ovarian cancer syndrome. Also called: Hereditary breast and/or ovarian cancer syndrome; BRCA1- and BRCA2-Associated Hereditary Breast and Ovarian Cancer; Breast and ovarian cancer; Hereditary breast and ovarian cancer; Hereditary breast and ovarian cancer syndrome; Hereditary breast and ovarian cancer syndrome (HBOC). Identifiers: Orphanet 145, MedGen C0677776, MeSH D061325, MONDO:0003582. Disease mechanism: loss of function.
Hereditary cancer-predisposing syndrome. Also called: Hereditary neoplastic syndrome; Tumor predisposition; Hereditary Cancer Syndrome; Neoplastic Syndromes, Hereditary. Identifiers: Orphanet 140162, MedGen C0027672, MeSH D009386, MONDO:0015356.

Submissions (3):

Ambry Genetics
Classification: Pathogenic for Hereditary cancer-predisposing syndrome. Last evaluated: 2025-09-02. Review status: criteria provided, single submitter. Criteria: Ambry Variant Classification Scheme 2023. Collection method: clinical testing. Allele origin: germline.
Comment: The c.5162delA pathogenic mutation, located in coding exon 10 of the BRCA2 gene, results from a deletion of one nucleotide at nucleotide position 5162, causing a translational frameshift with a predicted alternate stop codon (p.N1721Tfs*4). This variant is considered to be rare based on population cohorts in the Genome Aggregation Database (gnomAD). This alteration is expected to result in loss of function by premature protein truncation or nonsense-mediated mRNA decay. As such, this alteration is interpreted as a disease-causing mutation.

Labcorp Genetics (formerly Invitae), Labcorp
Classification: Pathogenic for Hereditary breast ovarian cancer syndrome. Last evaluated: 2023-07-10. Review status: criteria provided, single submitter. Criteria: Invitae Variant Classification Sherloc (09022015). Collection method: clinical testing. Allele origin: germline.
Comment: For these reasons, this variant has been classified as Pathogenic. ClinVar contains an entry for this variant (Variation ID: 495098). This variant has not been reported in the literature in individuals affected with BRCA2-related conditions. This variant is not present in population databases (gnomAD no frequency). This sequence change creates a premature translational stop signal (p.Asn1721Thrfs*4) in the BRCA2 gene. It is expected to result in an absent or disrupted protein product. Loss-of-function variants in BRCA2 are known to be pathogenic (PMID: 20104584).

GeneKor MSA
Classification: Pathogenic. Last evaluated: 2020-01-01. Review status: criteria provided, single submitter. Criteria: ACMG Guidelines, 2015. Collection method: clinical testing. Allele origin: germline.
Comment: This sequence change deletes one base from exon 11 of the BRCA2 mRNA (c.5162delA ) causing a frameshift after codon 1721 and the creation of a premature translation stop signal 4 amino acid residues later p.(Asn1721Thrfs). This is expected to result in an absent or disrupted protein product. Truncating variants in BRCA2 are known to be pathogenic.

Literature cited by the submitters: PubMed 20104584 (cited by Labcorp Genetics (formerly Invitae), Labcorp).